The following is an entry in ClinVar:

NM_001018115.3(FANCD2):c.2995A>G (p.Ile999Val)

Gene: FANCD2 (FA complementation group D2; plus strand). Cytogenetic location: 3p25.3.
Variant type: single nucleotide variant.
Coding change: c.2995A>G on transcript NM_001018115.3 (MANE Select); coding-DNA position 2995, A replaced by G.
Protein change: p.Ile999Val; replaces isoleucine 999 with valine.
Molecular consequence: missense variant.
Genome position (GRCh38, 1-based): chr3:10,081,118, A>G. VCF-style: chr3-10081118-A-G. GRCh37 (hg19) VCF-style: chr3-10122802-A-G.
Other names: c.2995A>G, p.Ile999Val (NM_001319984.2, NM_001374254.1, NM_033084.6); c.2884A>G, p.Ile962Val (NM_001374253.1); short protein forms I999V, I962V.
Identifiers: ClinVar variation 2198514 (VCV002198514.2), dbSNP rs768450402, ClinGen allele CA2250259.
Genomic context (GRCh38, chr3:10,081,118, plus strand): 5'-TATCCAGCAGTTTCTTCACTCATAACTCTGCATTTATTATAGAACAAAGGAAGCCGGAAT[A>G]TTGGATTCTCACATCTCCAACAGAGATCTGCCCAAGAAATTGTTCATTGTGTTTTTCAAC-3'
Protein context (NP_001018125.1, residues 989-1009): PFLKNKGSRN[Ile999Val]GFSHLQQRSA

ClinVar aggregate classification (germline): Uncertain significance (1 of 4 stars; one submission).

Conditions:
Fanconi anemia (FA). Also called: Fanconi's anemia. Identifiers: Orphanet 84, MedGen C0015625, MeSH D005199, MONDO:0019391.

Allele frequency attached by ClinVar (database versions not stated): gnomAD exomes below 0.00001; ExAC 0.00001; gnomAD 0.00001.
gnomAD v4.1: 2 of 1,614,130 alleles (0.00012%); highest among the groups gnomAD compares: East Asian, 0.0022%; no homozygotes.

Submission:

Labcorp Genetics (formerly Invitae), Labcorp
Classification: Uncertain significance for Fanconi anemia. Last evaluated: 2025-09-20. Review status: criteria provided, single submitter. Criteria: Invitae Variant Classification Sherloc (09022015). Collection method: clinical testing. Allele origin: germline.
Comment: This sequence change replaces isoleucine, which is neutral and non-polar, with valine, which is neutral and non-polar, at codon 999 of the FANCD2 protein (p.Ile999Val). This variant is present in population databases (rs768450402, gnomAD 0.006%). This variant has not been reported in the literature in individuals affected with FANCD2-related conditions. ClinVar contains an entry for this variant (Variation ID: 2198514). Invitae Evidence Modeling of protein sequence and biophysical properties (such as structural, functional, and spatial information, amino acid conservation, physicochemical variation, residue mobility, and thermodynamic stability) indicates that this missense variant is not expected to disrupt FANCD2 protein function with a negative predictive value of 80%. In summary, the available evidence is currently insufficient to determine the role of this variant in disease. Therefore, it has been classified as a Variant of Uncertain Significance.